The following is an entry in ClinVar:

NM_014336.5(AIPL1):c.525G>A (p.Met175Ile)

Gene: AIPL1 (AIP like 1 HSP90 co-chaperone; minus strand). Cytogenetic location: 17p13.2.
Variant type: single nucleotide variant.
Coding change: c.525G>A on transcript NM_014336.5 (MANE Select); coding-DNA position 525, G replaced by A.
Protein change: p.Met175Ile; replaces methionine 175 with isoleucine.
Molecular consequence: missense variant.
Genome position (GRCh38, 1-based): chr17:6,426,998, C>T on the plus strand (G>A on the coding strand, the complement: AIPL1 is on the minus strand). VCF-style: chr17-6426998-C-T. GRCh37 (hg19) VCF-style: chr17-6330318-C-T.
Other names: c.336G>A, p.Met112Ile (NM_001033054.3); c.345G>A, p.Met115Ile (NM_001033055.3); c.489G>A, p.Met163Ile (NM_001285399.3); c.459G>A, p.Met153Ile (NM_001285400.3); c.525G>A, p.Met175Ile (NM_001285401.3); c.408G>A, p.Met136Ile (NM_001285402.2); c.501G>A, p.Met167Ile (NM_001285403.4); c.525G>A (NM_014336.3); short protein forms M153I, M175I, M115I, M163I, M167I, M112I, M136I.
Identifiers: ClinVar variation 1411649 (VCV001411649.8), dbSNP rs933903266, ClinGen allele CA287325003.

ClinVar aggregate classification (germline): Uncertain significance. Review status: criteria provided, multiple submitters, no conflicts (2 of 4 stars). 2 submissions from 2 submitters: Uncertain significance (2). Last evaluated 2025-09-25.

Conditions:
Inborn genetic diseases. Identifiers: MedGen C0950123, MeSH D030342.
Leber congenital amaurosis 4 (LCA4). Identifiers: MedGen C1858386, MONDO:0011458, OMIM 604393.

Allele frequency attached by ClinVar (database versions not stated): gnomAD exomes below 0.00001 and 0.00001; TOPMed below 0.00001.

Submissions (2):

Ambry Genetics
Classification: Uncertain significance for Inborn genetic diseases. Last evaluated: 2025-09-25. Review status: criteria provided, single submitter. Criteria: Ambry Variant Classification Scheme 2023. Collection method: clinical testing. Allele origin: germline.
Comment: The c.525G>A (p.M175I) alteration is located in exon 4 (coding exon 4) of the AIPL1 gene. This alteration results from a G to A substitution at nucleotide position 525, causing the methionine (M) at amino acid position 175 to be replaced by an isoleucine (I). Based on data from gnomAD, the A allele has an overall frequency of 0.001% (3/251486) total alleles studied. The highest observed frequency was 0.009% (3/34592) of Latino alleles. Based on insufficient or conflicting evidence, the clinical significance of this alteration remains unclear.

Labcorp Genetics (formerly Invitae), Labcorp
Classification: Uncertain significance for Leber congenital amaurosis 4. Last evaluated: 2025-07-16. Review status: criteria provided, single submitter. Criteria: Invitae Variant Classification Sherloc (09022015). Collection method: clinical testing. Allele origin: germline.
Comment: This sequence change replaces methionine, which is neutral and non-polar, with isoleucine, which is neutral and non-polar, at codon 175 of the AIPL1 protein (p.Met175Ile). This variant is present in population databases (no rsID available, gnomAD 0.006%). This variant has not been reported in the literature in individuals affected with AIPL1-related conditions. ClinVar contains an entry for this variant (Variation ID: 1411649). Invitae Evidence Modeling of protein sequence and biophysical properties (such as structural, functional, and spatial information, amino acid conservation, physicochemical variation, residue mobility, and thermodynamic stability) has been performed for this missense variant. However, the output from this modeling did not meet the statistical confidence thresholds required to predict the impact of this variant on AIPL1 protein function. In summary, the available evidence is currently insufficient to determine the role of this variant in disease. Therefore, it has been classified as a Variant of Uncertain Significance.